The following is an entry in ClinVar:

NM_022114.4(PRDM16):c.1351T>C (p.Tyr451His)

Gene: PRDM16 (PR/SET domain 16; plus strand). Cytogenetic location: 1p36.32.
Variant type: single nucleotide variant.
Coding change: c.1351T>C on transcript NM_022114.4 (MANE Select); coding-DNA position 1351, T replaced by C.
Protein change: p.Tyr451His; replaces tyrosine 451 with histidine.
Molecular consequence: missense variant.
Genome position (GRCh38, 1-based): chr1:3,411,548, T>C. VCF-style: chr1-3411548-T-C. GRCh37 (hg19) VCF-style: chr1-3328112-T-C.
Other names: c.1351T>C (NM_022114.3); c.1351T>C, p.Tyr451His (NM_199454.3); short protein forms Y451H.
Identifiers: ClinVar variation 2728614 (VCV002728614.4), dbSNP rs757463466, ClinGen allele CA544163.

ClinVar aggregate classification (germline): Uncertain significance. Review status: criteria provided, multiple submitters, no conflicts (2 of 4 stars). 2 submissions from 2 submitters: Uncertain significance (2). Last evaluated 2024-03-11.

Conditions:
Inborn genetic diseases. Identifiers: MedGen C0950123, MeSH D030342.
Left ventricular noncompaction 8 (LVNC8). Identifiers: Orphanet 154, Orphanet 54260, MedGen C3809288, MONDO:0014152, OMIM 615373.

Allele frequency attached by ClinVar (database versions not stated): ExAC 0.00001; gnomAD exomes 0.00001; TOPMed 0.00001; gnomAD 0.00002.
gnomAD v4.1: 6 of 1,613,972 alleles (0.00037%); highest among the groups gnomAD compares: African/African-American, 0.008%; no homozygotes.

Submissions (2):

Ambry Genetics
Classification: Uncertain significance for Inborn genetic diseases. Last evaluated: 2024-03-11. Review status: criteria provided, single submitter. Criteria: Ambry Variant Classification Scheme 2023. Collection method: clinical testing. Allele origin: germline.

Labcorp Genetics (formerly Invitae), Labcorp
Classification: Uncertain significance for Left ventricular noncompaction 8. Last evaluated: 2024-01-24. Review status: criteria provided, single submitter. Criteria: Invitae Variant Classification Sherloc (09022015). Collection method: clinical testing. Allele origin: germline.
Comment: This sequence change replaces tyrosine, which is neutral and polar, with histidine, which is basic and polar, at codon 451 of the PRDM16 protein (p.Tyr451His). This variant is present in population databases (rs757463466, gnomAD 0.01%). This variant has not been reported in the literature in individuals affected with PRDM16-related conditions. An algorithm developed to predict the effect of missense changes on protein structure and function (PolyPhen-2) suggests that this variant is likely to be disruptive. In summary, the available evidence is currently insufficient to determine the role of this variant in disease. Therefore, it has been classified as a Variant of Uncertain Significance.